The following is an entry in ClinVar:

ClinVar aggregate classification (germline): Conflicting classifications of pathogenicity. Review status: criteria provided, conflicting classifications (1 of 4 stars). 9 submissions from 9 submitters: Uncertain significance (1); Benign (1); Likely benign (6). 1 of the submissions does not count toward it. Last evaluated 2026-09-01.

Conditions:
RTTN-related disorder. Also called: RTTN-related condition.
Inborn genetic diseases. Identifiers: MedGen C0950123, MeSH D030342.
Microcephalic primordial dwarfism due to RTTN deficiency (MSSP). Also called: Microcephaly, short stature, and polymicrogyria with or without seizures; MICROCEPHALY, SHORT STATURE, AND POLYMICROGYRIA. Identifiers: Orphanet 468631, MedGen C3553831, MONDO:0018764, OMIM 614833.

Allele frequency attached by ClinVar (database versions not stated): 1000 Genomes Project 30x 0.00297; 1000 Genomes Project 0.00300; TOPMed 0.00557; ExAC 0.00574; gnomAD exomes 0.00577 and 0.00625; ESP Exome Variant Server 0.00582; gnomAD 0.00609 and 0.00624.
gnomAD v4.1: 10,004 of 1,613,800 alleles (0.62%); highest among the groups gnomAD compares: Non-Finnish European, 0.71%; 68 homozygotes.

Submissions (9):

CeGaT Center for Human Genetics Tuebingen
Classification: Likely benign. Last evaluated: 2026-09-01. Review status: criteria provided, single submitter. Criteria: CeGaT Center For Human Genetics Tuebingen Variant Classification Criteria Version 2. Collection method: clinical testing. Allele origin: germline. Affected: yes. Observed: 68 variant alleles.
Comment: RTTN: BP4, BS2

Labcorp Genetics (formerly Invitae), Labcorp
Classification: Benign. Last evaluated: 2026-01-30. Review status: criteria provided, single submitter. Criteria: Invitae Variant Classification Sherloc (09022015). Collection method: clinical testing. Allele origin: germline.

Ambry Genetics
Classification: Likely benign for Inborn genetic diseases. Last evaluated: 2025-03-19. Review status: criteria provided, single submitter. Criteria: Ambry Variant Classification Scheme 2023. Collection method: clinical testing. Allele origin: germline.

Blueprint Genetics
Classification: Likely benign. Last evaluated: 2024-11-27. Review status: criteria provided, single submitter. Criteria: ACMG Guidelines, 2015. Collection method: clinical testing. Allele origin: germline.

GeneDx
Classification: Likely benign. Last evaluated: 2020-10-20. Review status: criteria provided, single submitter. Criteria: GeneDx Variant Classification Process June 2021. Collection method: clinical testing. Allele origin: germline. Affected: yes.

Baylor Genetics
Classification: Uncertain significance for Microcephalic primordial dwarfism due to RTTN deficiency. Last evaluated: 2017-09-01. Review status: criteria provided, single submitter. Criteria: ACMG Guidelines, 2015. Collection method: clinical testing. Allele origin: germline. Inheritance: Autosomal recessive inheritance.
Comment: However, allele frequency is high, and homozygotes have been found in controls.

Center for Pediatric Genomic Medicine, Children's Mercy Hospital and Clinics
Classification: Likely benign. Last evaluated: 2015-10-07. Review status: criteria provided, single submitter. Criteria: ACMG Guidelines, 2015. Collection method: clinical testing. Allele origin: germline.
ClinVar note: Converted during submission from Likely Benign to Likely benign.

Genetic Services Laboratory, University of Chicago
Classification: Likely benign. Last evaluated: 2015-05-05. Review status: criteria provided, single submitter. Criteria: ACMG Guidelines, 2015. Collection method: clinical testing. Allele origin: germline.

PreventionGenetics, part of Exact Sciences
Classification: Benign for RTTN-related condition. Last evaluated: 2022-09-12. Review status: no assertion criteria provided. Collection method: clinical testing. Allele origin: germline. Not counted in ClinVar's aggregate classification.
Comment: This variant is classified as benign based on ACMG/AMP sequence variant interpretation guidelines (Richards et al. 2015 PMID: 25741868, with internal and published modifications).

Literature cited by the submitters: PubMed 25326635 (cited by Baylor Genetics).

NM_173630.4(RTTN):c.6445G>A (p.Ala2149Thr)

Gene: RTTN (rotatin; minus strand). Cytogenetic location: 18q22.2.
Variant type: single nucleotide variant.
Coding change: c.6445G>A on transcript NM_173630.4 (MANE Select); coding-DNA position 6445, G replaced by A.
Protein change: p.Ala2149Thr; replaces alanine 2149 with threonine.
Molecular consequence: missense variant.
Genome position (GRCh38, 1-based): chr18:70,006,461, C>T on the plus strand (G>A on the coding strand, the complement: RTTN is on the minus strand). VCF-style: chr18-70006461-C-T. GRCh37 (hg19) VCF-style: chr18-67673697-C-T.
Other names: c.3709G>A, p.Ala1237Thr (NM_001318520.2); short protein forms A2149T, A1237T.
Identifiers: ClinVar variation 130194 (VCV000130194.58), dbSNP rs34989098, ClinGen allele CA155028.